The following is an entry in ClinVar:

ClinVar aggregate classification (germline): Uncertain significance (1 of 4 stars; one submission).

gnomAD v4.1: 20 of 1,609,524 alleles (0.0012%); highest among the groups gnomAD compares: East Asian, 0.0022%; no homozygotes.

Submission:

Labcorp Genetics (formerly Invitae), Labcorp
Classification: Uncertain significance. Last evaluated: 2025-10-08. Review status: criteria provided, single submitter. Criteria: Invitae Variant Classification Sherloc (09022015). Collection method: clinical testing. Allele origin: germline.
Comment: This sequence change replaces tyrosine, which is neutral and polar, with cysteine, which is neutral and slightly polar, at codon 223 of the PDE6B protein (p.Tyr223Cys). This variant is present in population databases (rs774344792, gnomAD 0.003%). This variant has not been reported in the literature in individuals affected with PDE6B-related conditions. Invitae Evidence Modeling of protein sequence and biophysical properties (such as structural, functional, and spatial information, amino acid conservation, physicochemical variation, residue mobility, and thermodynamic stability) indicates that this missense variant is not expected to disrupt PDE6B protein function with a negative predictive value of 95%. In summary, the available evidence is currently insufficient to determine the role of this variant in disease. Therefore, it has been classified as a Variant of Uncertain Significance.

NM_000283.4(PDE6B):c.668A>G (p.Tyr223Cys)

Gene: PDE6B (phosphodiesterase 6B; plus strand). Cytogenetic location: 4p16.3.
Variant type: single nucleotide variant.
Coding change: c.668A>G on transcript NM_000283.4 (MANE Select); coding-DNA position 668, A replaced by G.
Protein change: p.Tyr223Cys; replaces tyrosine 223 with cysteine.
Molecular consequence: missense variant.
Genome position (GRCh38, 1-based): chr4:635,926, A>G. VCF-style: chr4-635926-A-G. GRCh37 (hg19) VCF-style: chr4-629715-A-G.
Other names: c.668A>G, p.Tyr223Cys (NM_001145291.2, NM_001440547.1, NM_001440548.1); short protein forms Y223C.
Identifiers: ClinVar variation 4754744 (VCV004754744.1).